The following is an entry in ClinVar:

NM_022114.4(PRDM16):c.776C>T (p.Ala259Val)

Gene: PRDM16 (PR/SET domain 16; plus strand). Cytogenetic location: 1p36.32.
Variant type: single nucleotide variant.
Coding change: c.776C>T on transcript NM_022114.4 (MANE Select); coding-DNA position 776, C replaced by T.
Protein change: p.Ala259Val; replaces alanine 259 with valine.
Molecular consequence: missense variant.
Genome position (GRCh38, 1-based): chr1:3,402,890, C>T. VCF-style: chr1-3402890-C-T. GRCh37 (hg19) VCF-style: chr1-3319454-C-T.
Other names: c.776C>T, p.Ala259Val (NM_199454.3); short protein forms A259V.
Identifiers: ClinVar variation 1449929 (VCV001449929.8), dbSNP rs769041652, ClinGen allele CA543956.

ClinVar aggregate classification (germline): Conflicting classifications of pathogenicity. Review status: criteria provided, conflicting classifications (1 of 4 stars). 3 submissions from 3 submitters: Uncertain significance (2); Likely benign (1). Last evaluated 2025-05-01.

Conditions:
Left ventricular noncompaction 8 (LVNC8). Identifiers: Orphanet 154, Orphanet 54260, MedGen C3809288, MONDO:0014152, OMIM 615373.

Allele frequency attached by ClinVar (database versions not stated): gnomAD 0.00003; ExAC 0.00004; TOPMed 0.00004; gnomAD exomes 0.00005.
gnomAD v4.1: 69 of 1,613,020 alleles (0.0043%); highest among the groups gnomAD compares: Middle Eastern, 0.016%; no homozygotes.

Submissions (3):

Labcorp Genetics (formerly Invitae), Labcorp
Classification: Uncertain significance for Left ventricular noncompaction 8. Last evaluated: 2025-05-01. Review status: criteria provided, single submitter. Criteria: Invitae Variant Classification Sherloc (09022015). Collection method: clinical testing. Allele origin: germline.
Comment: This sequence change replaces alanine, which is neutral and non-polar, with valine, which is neutral and non-polar, at codon 259 of the PRDM16 protein (p.Ala259Val). This variant is present in population databases (rs769041652, gnomAD 0.01%). This variant has not been reported in the literature in individuals affected with PRDM16-related conditions. ClinVar contains an entry for this variant (Variation ID: 1449929). An algorithm developed to predict the effect of missense changes on protein structure and function outputs the following: PolyPhen-2: "Benign". The valine amino acid residue is found in multiple mammalian species, which suggests that this missense change does not adversely affect protein function. In summary, the available evidence is currently insufficient to determine the role of this variant in disease. Therefore, it has been classified as a Variant of Uncertain Significance.

Blueprint Genetics
Classification: Likely benign. Last evaluated: 2023-12-27. Review status: criteria provided, single submitter. Criteria: ACMG Guidelines, 2015. Collection method: clinical testing. Allele origin: germline.

Center for Genomics, Ann and Robert H. Lurie Children's Hospital of Chicago
Classification: Uncertain significance for Left ventricular noncompaction 8. Review status: criteria provided, single submitter. Criteria: ACMG Guidelines, 2015. Collection method: clinical testing. Allele origin: germline.
Comment: PRDM16 NM_022114.3 exon 6 p.Ala259Val (c.776C>T): This variant has not been reported in the literature and is present in 0.01% (4/30778) of South Asian alleles in the Genome Aggregation Database. This variant amino acid Valine (Val) is present in two species (dolphin, killer whale) and is not well conserved among evolutionarily distant species; this suggests that this variant may not impact the protein. Additional computational prediction tools do not suggest an impact. In summary, data on this variant is insufficient for disease classification. Therefore, the clinical significance of this variant is uncertain.